The following is an entry in ClinVar:

ClinVar aggregate classification (germline): Uncertain significance. Review status: criteria provided, multiple submitters, no conflicts (2 of 4 stars). 3 submissions from 3 submitters: Uncertain significance (3). Last evaluated 2025-08-04.

Conditions:
HSD3B7-related disorder. Also called: HSD3B7-related condition.

Allele frequency attached by ClinVar (database versions not stated): gnomAD 0.00019 and 0.00020.
gnomAD v4.1: 473 of 1,599,592 alleles (0.03%); highest among the groups gnomAD compares: Non-Finnish European, 0.038%; no homozygotes.

Submissions (3):

PreventionGenetics, part of Exact Sciences
Classification: Uncertain significance for HSD3B7-related condition. Last evaluated: 2025-08-04. Review status: criteria provided, single submitter. Criteria: ACMG Guidelines, 2015. Collection method: clinical testing. Allele origin: germline.
Comment: The HSD3B7 c.1097G>C variant is predicted to result in the amino acid substitution p.Gly366Ala. To our knowledge, this variant has not been reported in the literature. This variant is reported in 0.040% of alleles in individuals of Ashkenazi Jewish descent in gnomAD. At this time, the clinical significance of this variant is uncertain due to the absence of conclusive functional and genetic evidence.

Mayo Clinic Laboratories, Mayo Clinic
Classification: Uncertain significance. Last evaluated: 2022-02-24. Review status: criteria provided, single submitter. Criteria: ACMG Guidelines, 2015. Collection method: clinical testing. Allele origin: germline. Observed: 1 variant allele.
Comment: BP4

Eurofins Ntd Llc (ga)
Classification: Uncertain significance. Last evaluated: 2018-09-12. Review status: criteria provided, single submitter. Criteria: EGL ClinVar v180209 classification definitions. Collection method: clinical testing. Allele origin: germline. Observed: 2 variant alleles, 2 heterozygotes.

NM_025193.4(HSD3B7):c.1097G>C (p.Gly366Ala)

Gene: HSD3B7 (hydroxy-delta-5-steroid dehydrogenase, 3 beta- and steroid delta-isomerase 7; plus strand). Cytogenetic location: 16p11.2.
Variant type: single nucleotide variant.
Coding change: c.1097G>C on transcript NM_025193.4 (MANE Select); coding-DNA position 1097, G replaced by C.
Protein change: p.Gly366Ala; replaces glycine 366 with alanine.
Molecular consequence: missense variant. On other transcripts: 3 prime UTR variant (2).
Genome position (GRCh38, 1-based): chr16:30,988,170, G>C. VCF-style: chr16-30988170-G-C. GRCh37 (hg19) VCF-style: chr16-30999491-G-C.
Other names: p.Gly366Ala; c.*343G>C (NM_001142777.2, NM_001142778.2); c.1097G>C (NM_025193.3); short protein forms G366A.
Identifiers: ClinVar variation 594335 (VCV000594335.9), dbSNP rs147810715, ClinGen allele CA8018182.